The following is an entry in ClinVar:

ClinVar aggregate classification (germline): Uncertain significance. Review status: criteria provided, multiple submitters, no conflicts (2 of 4 stars). 2 submissions from 2 submitters: Uncertain significance (2). Last evaluated 2025-07-30.

Conditions:
Cardiovascular phenotype. Identifiers: MedGen CN230736.
Familial hypobetalipoproteinemia 1. Also called: Hypobetalipoproteinemia, normotriglyceridemic; Acanthocytosis with hypobetalipoproteinemia; APOB-Related Familial Hypobetalipoproteinemia. Identifiers: MedGen C4551990, MONDO:0014252, OMIM 615558.
Hypercholesterolemia, autosomal dominant, type B (FHCL2). Also called: Familial Hypercholesterolemia Type B; HYPERCHOLESTEROLEMIA, FAMILIAL, DUE TO LIGAND-DEFECTIVE APOLIPOPROTEIN B; Familial hypercholesterolemia 2; APOB-Related Familial Hypercholesterolemia, Autosomal Dominant; APOLIPOPROTEIN B-100, FAMILIAL DEFECTIVE; APOLIPOPROTEIN B-100, FAMILIAL LIGAND-DEFECTIVE. Identifiers: MedGen C1704417, MONDO:0007751, OMIM 144010.

Allele frequency attached by ClinVar (database versions not stated): gnomAD exomes below 0.00001 and 0.00001; TOPMed below 0.00001.
gnomAD v4.1: 11 of 1,614,076 alleles (0.00068%); highest among the groups gnomAD compares: Non-Finnish European, 0.00085%; no homozygotes.

Submissions (2):

Labcorp Genetics (formerly Invitae), Labcorp
Classification: Uncertain significance for Familial hypobetalipoproteinemia 1; Hypercholesterolemia, autosomal dominant, type B. Last evaluated: 2025-07-30. Review status: criteria provided, single submitter. Criteria: Invitae Variant Classification Sherloc (09022015). Collection method: clinical testing. Allele origin: germline.
Comment: This sequence change replaces aspartic acid, which is acidic and polar, with tyrosine, which is neutral and polar, at codon 3833 of the APOB protein (p.Asp3833Tyr). This variant is present in population databases (no rsID available, gnomAD 0.0009%). This variant has not been reported in the literature in individuals affected with APOB-related conditions. ClinVar contains an entry for this variant (Variation ID: 923662). Invitae Evidence Modeling of protein sequence and biophysical properties (such as structural, functional, and spatial information, amino acid conservation, physicochemical variation, residue mobility, and thermodynamic stability) indicates that this missense variant is not expected to disrupt APOB protein function with a negative predictive value of 95%. In summary, the available evidence is currently insufficient to determine the role of this variant in disease. Therefore, it has been classified as a Variant of Uncertain Significance.

Ambry Genetics
Classification: Uncertain significance for Cardiovascular phenotype. Last evaluated: 2025-06-22. Review status: criteria provided, single submitter. Criteria: Ambry Variant Classification Scheme 2023. Collection method: clinical testing. Allele origin: germline.
Comment: The p.D3833Y variant (also known as c.11497G>T), located in coding exon 26 of the APOB gene, results from a G to T substitution at nucleotide position 11497. The aspartic acid at codon 3833 is replaced by tyrosine, an amino acid with highly dissimilar properties. This amino acid position is conserved. In addition, this alteration is predicted to be tolerated by in silico analysis. Based on the available evidence, the clinical significance of this variant remains unclear.

NM_000384.3(APOB):c.11497G>T (p.Asp3833Tyr)

Gene: APOB (apolipoprotein B; minus strand). Cytogenetic location: 2p24.1.
Variant type: single nucleotide variant.
Coding change: c.11497G>T on transcript NM_000384.3 (MANE Select); coding-DNA position 11497, G replaced by T.
Protein change: p.Asp3833Tyr; replaces aspartic acid 3833 with tyrosine.
Molecular consequence: missense variant.
Genome position (GRCh38, 1-based): chr2:21,005,371, C>A on the plus strand (G>T on the coding strand, the complement: APOB is on the minus strand). VCF-style: chr2-21005371-C-A. GRCh37 (hg19) VCF-style: chr2-21228243-C-A.
Other names: short protein forms D3833Y.
Identifiers: ClinVar variation 923662 (VCV000923662.10), dbSNP rs1468608421, ClinGen allele CA345978411.